The following is an entry in ClinVar:

ClinVar aggregate classification (germline): Likely pathogenic (1 of 4 stars; one submission).

Submission:

Labcorp Genetics (formerly Invitae), Labcorp
Classification: Likely pathogenic. Last evaluated: 2021-11-29. Review status: criteria provided, single submitter. Criteria: Invitae Variant Classification Sherloc (09022015). Collection method: clinical testing. Allele origin: germline.
Comment: In summary, the currently available evidence indicates that the variant is pathogenic, but additional data are needed to prove that conclusively. Therefore, this variant has been classified as Likely Pathogenic. Algorithms developed to predict the effect of sequence changes on RNA splicing suggest that this variant may disrupt the consensus splice site. This sequence change affects an acceptor splice site in intron 2 of the ALPK3 gene. It is expected to disrupt RNA splicing. Variants that disrupt the donor or acceptor splice site typically lead to a loss of protein function (PMID: 16199547), and loss-of-function variants in ALPK3 are known to be pathogenic (PMID: 21441111, 26846950, 27106955, 34263907). This variant is not present in population databases (gnomAD no frequency). This variant has not been reported in the literature in individuals affected with ALPK3-related conditions.

Literature cited by the submitters: PubMed 16199547; PubMed 21441111; PubMed 26846950; PubMed 27106955; PubMed 34263907.

NM_020778.5(ALPK3):c.183-1G>A

Gene: ALPK3 (alpha kinase 3; plus strand). Cytogenetic location: 15q25.3.
Variant type: single nucleotide variant.
Coding change: c.183-1G>A on transcript NM_020778.5 (MANE Select); the canonical splice acceptor site of the intron before coding-DNA position 183, G replaced by A.
Molecular consequence: splice acceptor variant.
Genome position (GRCh38, 1-based): chr15:84,827,483, G>A. VCF-style: chr15-84827483-G-A. GRCh37 (hg19) VCF-style: chr15-85370714-G-A.
Identifiers: ClinVar variation 2017633 (VCV002017633.4), dbSNP rs2505697157, ClinGen allele CA393370657.
Genomic context (GRCh38, chr15:84,827,483, plus strand): 5'-GCCAGGCTGTGCTGTTTGTTGTGGGGAAGGCCAGCTCTGAATAGCTCTTTGCCTCTCTTA[G>A]GAGCACCTTCTGCTCCATCATTGCTCAGCTCACAGAGGAGACCCAGCCGCTATTTGAGAC-3'